The following is an entry in ClinVar:

ClinVar aggregate classification (germline): Uncertain significance. Review status: criteria provided, multiple submitters, no conflicts (2 of 4 stars). 2 submissions from 2 submitters: Uncertain significance (2). Last evaluated 2025-08-14.

Conditions:
Cardiovascular phenotype. Identifiers: MedGen CN230736.
Dilated cardiomyopathy 1KK (CMD1KK). Identifiers: Orphanet 154, Orphanet 75249, MedGen C3714995, MONDO:0014100, OMIM 615248.

Allele frequency attached by ClinVar (database versions not stated): gnomAD exomes 0.00001.
gnomAD v4.1: 3 of 1,613,990 alleles (0.00019%); highest among the groups gnomAD compares: Non-Finnish European, 0.00025%; no homozygotes.

Submissions (2):

Ambry Genetics
Classification: Uncertain significance for Cardiovascular phenotype. Last evaluated: 2025-08-14. Review status: criteria provided, single submitter. Criteria: Ambry Variant Classification Scheme 2023. Collection method: clinical testing. Allele origin: germline.
Comment: The p.S697A variant (also known as c.2089T>G), located in coding exon 10 of the MYPN gene, results from a T to G substitution at nucleotide position 2089. The serine at codon 697 is replaced by alanine, an amino acid with similar properties. This amino acid position is well conserved in available vertebrate species. In addition, this alteration is predicted to be tolerated by in silico analysis. Based on the available evidence, the clinical significance of this variant remains unclear.

Labcorp Genetics (formerly Invitae), Labcorp
Classification: Uncertain significance for Dilated cardiomyopathy 1KK. Last evaluated: 2018-01-19. Review status: criteria provided, single submitter. Criteria: Invitae Variant Classification Sherloc (09022015). Collection method: clinical testing. Allele origin: germline.
Comment: In summary, the available evidence is currently insufficient to determine the role of this variant in disease. Therefore, it has been classified as a Variant of Uncertain Significance. Algorithms developed to predict the effect of missense changes on protein structure and function (SIFT, PolyPhen-2, Align-GVGD) all suggest that this variant is likely to be tolerated, but these predictions have not been confirmed by published functional studies and their clinical significance is uncertain. This variant has not been reported in the literature in individuals with MYPN-related disease. This variant is not present in population databases (ExAC no frequency). This sequence change replaces serine with alanine at codon 697 of the MYPN protein (p.Ser697Ala). The serine residue is moderately conserved and there is a moderate physicochemical difference between serine and alanine.

NM_032578.4(MYPN):c.2089T>G (p.Ser697Ala)

Gene: MYPN (myopalladin; plus strand). Cytogenetic location: 10q21.3.
Variant type: single nucleotide variant.
Coding change: c.2089T>G on transcript NM_032578.4 (MANE Select); coding-DNA position 2089, T replaced by G.
Protein change: p.Ser697Ala; replaces serine 697 with alanine.
Molecular consequence: missense variant. On other transcripts: non-coding transcript variant (2).
Genome position (GRCh38, 1-based): chr10:68,174,181, T>G. VCF-style: chr10-68174181-T-G. GRCh37 (hg19) VCF-style: chr10-69933938-T-G.
Other names: c.2089T>G (NM_032578.2); c.2089T>G, p.Ser697Ala (NM_001256267.2); c.1207T>G, p.Ser403Ala (NM_001256268.2); short protein forms S697A, S403A.
Identifiers: ClinVar variation 1044091 (VCV001044091.9), dbSNP rs2043187783, ClinGen allele CA376844424.